The following is an entry in ClinVar:

ClinVar aggregate classification (germline): Conflicting classifications of pathogenicity. Review status: criteria provided, conflicting classifications (1 of 4 stars). 2 submissions from 2 submitters: Uncertain significance (1); Likely benign (1). Last evaluated 2026-01-19.

Allele frequency attached by ClinVar (database versions not stated): gnomAD 0.00007; ExAC 0.00008; gnomAD exomes 0.00004 and 0.00008; TOPMed 0.00005; ESP Exome Variant Server 0.00008.

Submissions (2):

Labcorp Genetics (formerly Invitae), Labcorp
Classification: Likely benign. Last evaluated: 2026-01-19. Review status: criteria provided, single submitter. Criteria: Invitae Variant Classification Sherloc (09022015). Collection method: clinical testing. Allele origin: germline.

GeneDx
Classification: Uncertain significance. Last evaluated: 2017-05-12. Review status: criteria provided, single submitter. Criteria: GeneDx Variant Classification (06012015). Collection method: clinical testing. Allele origin: germline. Affected: yes.
Comment: The E41K variant in the TNFRSF11A gene has not been reported previously as a pathogenic variant, nor as a benign variant, to our knowledge. The E41K variant is observed in 2/11,574 (0.017%) alleles (1 homozygous individual) from individuals of Latino background in the ExAC dataset (Lek et al., 2016). The E41K variant is a non-conservative amino acid substitution, which is likely to impact secondary protein structure as these residues differ in polarity, charge, size and/or other properties. This substitution occurs at a position that is conserved across species, but in silico analysis is inconsistent in its predictions as to whether or not the variant is damaging to the protein structure/function. We interpret E41K as a variant of uncertain significance.

NM_003839.4(TNFRSF11A):c.121G>A (p.Glu41Lys)

Gene: TNFRSF11A (TNF receptor superfamily member 11a; plus strand). Cytogenetic location: 18q21.33.
Variant type: single nucleotide variant.
Coding change: c.121G>A on transcript NM_003839.4 (MANE Select); coding-DNA position 121, G replaced by A.
Protein change: p.Glu41Lys; replaces glutamic acid 41 with lysine.
Molecular consequence: missense variant.
Genome position (GRCh38, 1-based): chr18:62,348,213, G>A. VCF-style: chr18-62348213-G-A. GRCh37 (hg19) VCF-style: chr18-60015446-G-A.
Other names: c.121G>A, p.Glu41Lys (NM_001270949.2, NM_001270950.2, NM_001270951.2 and 1 more transcripts); short protein forms E41K.
Identifiers: ClinVar variation 430126 (VCV000430126.10), dbSNP rs149317524, ClinGen allele CA8983648.